The following is an entry in ClinVar:

NM_001005498.4(RHBDF2):c.1912G>A (p.Val638Met)

Gene: RHBDF2 (rhomboid 5 homolog 2; minus strand). Cytogenetic location: 17q25.1.
Variant type: single nucleotide variant.
Coding change: c.1912G>A on transcript NM_001005498.4 (MANE Select); coding-DNA position 1912, G replaced by A.
Protein change: p.Val638Met; replaces valine 638 with methionine.
Molecular consequence: missense variant. On other transcripts: non-coding transcript variant (3).
Genome position (GRCh38, 1-based): chr17:76,472,838, C>T on the plus strand (G>A on the coding strand, the complement: RHBDF2 is on the minus strand). VCF-style: chr17-76472838-C-T. GRCh37 (hg19) VCF-style: chr17-74468920-C-T.
Other names: c.1912G>A, p.Val638Met (NM_001376228.1, NM_001376229.1, NM_001376230.1); c.1999G>A, p.Val667Met (NM_024599.5); short protein forms V638M, V667M.
Identifiers: ClinVar variation 888695 (VCV000888695.5), dbSNP rs575187651, ClinGen allele CA8786799.
Genomic context (GRCh38, chr17:76,472,838, plus strand): 5'-GCTTCTCCAGGTCCCTCAGGATGGTCATTTGAAAGACCACAGACACGAGGCAGTGCACCA[C>T]GCTGGGGGAGGGACACACCAGGCAGCGGCCTTCAGCCAGGCACTTCAGGAGCAGTAGGCT-3'
Protein context (NP_001005498.2, residues 628-648): LWLSLFLHAG[Val638Met]VHCLVSVVFQ

ClinVar aggregate classification (germline): Conflicting classifications of pathogenicity. Review status: criteria provided, conflicting classifications (1 of 4 stars). 2 submissions from 2 submitters: Uncertain significance (1); Benign (1). Last evaluated 2023-12-14.

Conditions:
Palmoplantar keratoderma-esophageal carcinoma syndrome (TOC). Also called: PALMOPLANTAR KERATODERMA WITH ESOPHAGEAL CANCER; Tylosis with Esophageal Cancer; KERATOSIS PALMARIS ET PLANTARIS WITH ESOPHAGEAL CANCER. Identifiers: Orphanet 2198, MedGen C1835664, MONDO:0007856, OMIM 148500.

Allele frequency attached by ClinVar (database versions not stated): gnomAD exomes 0.00002; TOPMed 0.00002; ExAC 0.00003; gnomAD 0.00004.
gnomAD v4.1: 27 of 1,588,302 alleles (0.0017%); highest among the groups gnomAD compares: Middle Eastern, 0.017%; no homozygotes.

Submissions (2):

Baylor Genetics
Classification: Uncertain significance for Palmoplantar keratoderma-esophageal carcinoma syndrome. Last evaluated: 2023-12-14. Review status: criteria provided, single submitter. Criteria: ACMG Guidelines, 2015. Collection method: clinical testing. Allele origin: unknown.

Illumina Laboratory Services, Illumina
Classification: Benign for Palmoplantar keratoderma-esophageal carcinoma syndrome. Last evaluated: 2018-04-06. Review status: criteria provided, single submitter. Criteria: ICSL Variant Classification Criteria 13 December 2019. Collection method: clinical testing. Allele origin: germline.
Comment: This variant was observed in the ICSL laboratory as part of a predisposition screen in an ostensibly healthy population. It had not been previously curated by ICSL or reported in the Human Gene Mutation Database (HGMD: prior to June 1st, 2018), and was therefore a candidate for classification through an automated scoring system. Utilizing variant allele frequency, disease prevalence and penetrance estimates, and inheritance mode, an automated score was calculated to assess if this variant is too frequent to cause the disease. Based on the score and internal cut-off values, a variant classified as benign is not then subjected to further curation. The score for this variant resulted in a classification of benign for this disease.